The following is an entry in ClinVar:

ClinVar aggregate classification (germline): Benign. Review status: criteria provided, multiple submitters, no conflicts (2 of 4 stars). 11 submissions from 10 submitters: Benign (9). 2 of the submissions do not count toward it. Last evaluated 2025-07-24.

Conditions:
Bartter disease type 4B. Also called: BARTTER SYNDROME, TYPE 4B, NEONATAL, WITH SENSORINEURAL DEAFNESS; Bartter syndrome, type 4b, digenic; BARTTER SYNDROME, TYPE 4B. Identifiers: Orphanet 112, MedGen C4310805, MONDO:0000909, OMIM 613090.
Bartter disease type 3. Also called: Bartter syndrome type 3. Identifiers: Orphanet 112, Orphanet 93605, MedGen C1846343, MONDO:0011822, OMIM 607364.

Allele frequency attached by ClinVar (database versions not stated): TOPMed 0.81031; gnomAD 0.81589 and 0.82465; 1000 Genomes Project 30x 0.81933; 1000 Genomes Project 0.82728; ExAC 0.90062; gnomAD exomes 0.90690.

Submissions (11):

Labcorp Genetics (formerly Invitae), Labcorp
Classification: Benign. Last evaluated: 2025-07-24. Review status: criteria provided, single submitter. Criteria: Invitae Variant Classification Sherloc (09022015). Collection method: clinical testing. Allele origin: germline.

Blueprint Genetics
Classification: Benign. Last evaluated: 2024-11-26. Review status: criteria provided, single submitter. Criteria: ACMG Guidelines, 2015. Collection method: clinical testing. Allele origin: germline.

Mayo Clinic Laboratories, Mayo Clinic
Classification: Benign. Last evaluated: 2022-03-09. Review status: criteria provided, single submitter. Criteria: ACMG Guidelines, 2015. Collection method: clinical testing. Allele origin: germline. Observed: 191 variant alleles.

Genome-Nilou Lab
Classification: Benign for Bartter disease type 4B. Last evaluated: 2021-07-22. Review status: criteria provided, single submitter. Criteria: ACMG Guidelines, 2015. Collection method: clinical testing. Allele origin: germline. Affected: no.

Genome-Nilou Lab
Classification: Benign for Bartter disease type 3. Last evaluated: 2021-07-22. Review status: criteria provided, single submitter. Criteria: ACMG Guidelines, 2015. Collection method: clinical testing. Allele origin: germline. Affected: no.

Mendelics
Classification: Benign for Bartter disease type 3. Last evaluated: 2019-05-28. Review status: criteria provided, single submitter. Criteria: Mendelics Assertion Criteria 2017. Collection method: clinical testing. Allele origin: unknown.

GeneDx
Classification: Benign. Last evaluated: 2018-11-10. Review status: criteria provided, single submitter. Criteria: GeneDx Variant Classification Process June 2021. Collection method: clinical testing. Allele origin: germline. Affected: yes.

Laboratory for Molecular Medicine, Mass General Brigham Personalized Medicine
Classification: Benign. Last evaluated: 2016-03-21. Review status: criteria provided, single submitter. Criteria: LMM Criteria. Collection method: clinical testing. Allele origin: germline. Observed: 1 variant allele.
Comment: p.Ala214Gly in exon 7 of CLCNKB: This variant is not expected to have clinical s ignificance because it has been identified in 99.93% (8630/8636) of East Asian c hromosomes by the Exome Aggregation Consortium (ExAC .org; dbSNP rs1889789).

Breakthrough Genomics
Classification: Benign. Review status: criteria provided, single submitter. Criteria: ACMG Guidelines, 2015. Collection method: not provided. Allele origin: germline. Inheritance: Autosomal recessive inheritance. Affected: yes.

Diagnostic Laboratory, Department of Genetics, University Medical Center Groningen
Classification: Benign. Review status: no assertion criteria provided. Collection method: clinical testing. Allele origin: germline. Affected: yes. Study: VKGL Data-share Consensus. Not counted in ClinVar's aggregate classification.

Joint Genome Diagnostic Labs from Nijmegen and Maastricht, Radboudumc and MUMC+
Classification: Benign. Review status: no assertion criteria provided. Collection method: clinical testing. Allele origin: germline. Affected: yes. Study: VKGL Data-share Consensus. Not counted in ClinVar's aggregate classification.

NM_000085.5(CLCNKB):c.641C>G (p.Ala214Gly)

Genes: CLCNKB (chloride voltage-gated channel Kb; plus strand), LOC106501713 (CLCNKB recombination region; plus strand). Cytogenetic location: 1p36.13.
Variant type: single nucleotide variant.
Coding change: c.641C>G on transcript NM_000085.5 (MANE Select); coding-DNA position 641, C replaced by G.
Protein change: p.Ala214Gly; replaces alanine 214 with glycine.
Molecular consequence: missense variant.
Genome position (GRCh38, 1-based): chr1:16,048,568, C>G. VCF-style: chr1-16048568-C-G. GRCh37 (hg19) VCF-style: chr1-16375063-C-G.
Other names: short protein forms A214G.
Identifiers: ClinVar variation 504916 (VCV000504916.21), dbSNP rs1889789, ClinGen allele CA623400.